The following is an entry in ClinVar:

ClinVar aggregate classification (germline): Uncertain significance. Review status: criteria provided, multiple submitters, no conflicts (2 of 4 stars). 6 submissions from 6 submitters: Uncertain significance (6). Last evaluated 2025-05-26.

Conditions:
Ehlers-Danlos syndrome, kyphoscoliotic type 1 (EDSKSCL1). Also called: EHLERS-DANLOS SYNDROME, OCULAR-SCOLIOTIC TYPE; Ehlers-Danlos syndrome, hydroxylysine-deficient; PLOD1-Related Kyphoscoliotic Ehlers-Danlos Syndrome; EHLERS-DANLOS SYNDROME, TYPE VIA. Identifiers: Orphanet 1900, MedGen C0268342, MONDO:0016002, OMIM 225400. Disease mechanism: loss of function.
Ehlers-Danlos syndrome (EDS). Identifiers: Orphanet 98249, MedGen C0013720, MONDO:0020066.
Familial thoracic aortic aneurysm and aortic dissection (TAAD). Also called: Thoracic aortic aneurysms and dissections. Identifiers: Orphanet 91387, MedGen C4707243, MONDO:0019625.

Submissions (6):

Women's Health and Genetics/Laboratory Corporation of America, LabCorp
Classification: Uncertain significance. Last evaluated: 2025-05-26. Review status: criteria provided, single submitter. Criteria: LabCorp Variant Classification Summary - May 2015. Collection method: clinical testing. Allele origin: germline.
Comment: Variant summary: PLOD1 c.567_572delCCCGGA (p.Asp189_Pro190del) results in an in-frame deletion that is predicted to remove two amino acids from the encoded protein. The variant allele was found at a frequency of 3.2e-05 in 251264 control chromosomes. The available data on variant occurrences in the general population are insufficient to allow any conclusion about variant significance. To our knowledge, no occurrence of c.567_572delCCCGGA in individuals affected with Ehlers-Danlos syndrome, kyphoscoliotic type 1 and no experimental evidence demonstrating its impact on protein function have been reported. ClinVar contains an entry for this variant (Variation ID: 529342). Based on the evidence outlined above, the variant was classified as uncertain significance.

Blueprint Genetics
Classification: Uncertain significance. Last evaluated: 2024-09-12. Review status: criteria provided, single submitter. Criteria: ACMG Guidelines, 2015. Collection method: clinical testing. Allele origin: germline.

GeneDx
Classification: Uncertain significance. Last evaluated: 2024-05-14. Review status: criteria provided, single submitter. Criteria: GeneDx Variant Classification Process June 2021. Collection method: clinical testing. Allele origin: germline. Affected: yes.
Comment: Not observed at significant frequency in large population cohorts (gnomAD); In-frame deletion of 2 amino acids in a non-repeat region; In silico analysis supports a deleterious effect on protein structure/function; Has not been previously published as pathogenic or benign to our knowledge

Ambry Genetics
Classification: Uncertain significance for Familial thoracic aortic aneurysm and aortic dissection. Last evaluated: 2023-04-14. Review status: criteria provided, single submitter. Criteria: Ambry Variant Classification Scheme 2023. Collection method: clinical testing. Allele origin: germline.
Comment: The c.567_572delCCCGGA variant (also known as p.D189_P190del), located in coding exon 5 of the PLOD1 gene, results from an in-frame CCCGGA deletion at nucleotide positions 567 to 572. This results in the in-frame deletion of an aspartic acid residue and a proline residue at codons 189 to 190. These amino acid positions are well conserved in available vertebrate species. In addition, this alteration is predicted to be deleterious by in silico analysis (Choi Y et al. PLoS ONE. 2012; 7(10):e46688). Since supporting evidence is limited at this time, the clinical significance of this alteration remains unclear.

Labcorp Genetics (formerly Invitae), Labcorp
Classification: Uncertain significance for Ehlers-Danlos syndrome, kyphoscoliotic type 1. Last evaluated: 2021-08-27. Review status: criteria provided, single submitter. Criteria: Invitae Variant Classification Sherloc (09022015). Collection method: clinical testing. Allele origin: germline.
Comment: This variant, c.567_572del, results in the deletion of 2 amino acid(s) of the PLOD1 protein (p.Asp189_Pro190del), but otherwise preserves the integrity of the reading frame. The frequency data for this variant in the population databases is considered unreliable, as metrics indicate poor data quality at this position in the ExAC database. This variant has not been reported in the literature in individuals affected with PLOD1-related conditions. ClinVar contains an entry for this variant (Variation ID: 529342). Experimental studies and prediction algorithms are not available or were not evaluated, and the functional significance of this variant is currently unknown. In summary, the available evidence is currently insufficient to determine the role of this variant in disease. Therefore, it has been classified as a Variant of Uncertain Significance.

Genome Diagnostics Laboratory, The Hospital for Sick Children
Classification: Uncertain significance for Ehlers-Danlos syndrome. Last evaluated: 2020-07-09. Review status: criteria provided, single submitter. Criteria: ACMG Guidelines, 2015. Collection method: clinical testing. Allele origin: germline.

NM_000302.4(PLOD1):c.567_572del (p.Asp189_Pro190del)

Gene: PLOD1 (procollagen-lysine,2-oxoglutarate 5-dioxygenase 1; plus strand). Cytogenetic location: 1p36.22.
Variant type: Deletion.
Coding change: c.567_572del on transcript NM_000302.4 (MANE Select); coding-DNA positions 567 to 572, 6 bases deleted (CCCGGA; older notation c.567_572delCCCGGA).
Protein change: p.Asp189_Pro190del.
Molecular consequence: inframe deletion.
Genome position (GRCh38, 1-based): chr1:11,952,723-11,952,728, CCCGGA deleted; deleting any 6 consecutive bases within chr1:11,952,720-11,952,728 gives the same sequence; the c. name uses the placement nearest the transcript's 3' end. VCF-style (leftmost placement, unchanged base first): chr1-11952719-TGGACCC-T. GRCh37 (hg19) VCF-style: chr1-12012776-TGGACCC-T.
Other names: c.567_572delCCCGGA (NM_000302.4, NM_000302.3); c.708_713del, p.Asp236_Pro237del (NM_001316320.2).
Identifiers: ClinVar variation 529342 (VCV000529342.15), dbSNP rs775053632, ClinGen allele CA597942.
Genomic context (GRCh38, chr1:11,952,719, plus strand): 5'-TGGCCGAGTGGGAGGGCCAGGACAGCGACAGCGATCAGCTGTTTTACACCAAGATCTTCT[TGGACCC>T]GGAGAAGAGGGTAAGAGGCAGTGGGCGGGCCAAGGAGAGGGGGCTGGGGATCCACCGGCC-3'